The following is an entry in ClinVar:

NM_017570.5(OPLAH):c.870G>A (p.Pro290=)

Gene: OPLAH (5-oxoprolinase, ATP-hydrolysing; minus strand). Cytogenetic location: 8q24.3.
Variant type: single nucleotide variant.
Coding change: c.870G>A on transcript NM_017570.5 (MANE Select); coding-DNA position 870, G replaced by A.
Protein change: p.Pro290=; no amino-acid change (proline 290 retained).
Molecular consequence: synonymous variant.
Genome position (GRCh38, 1-based): chr8:144,058,318, C>T on the plus strand (G>A on the coding strand, the complement: OPLAH is on the minus strand). VCF-style: chr8-144058318-C-T. GRCh37 (hg19) VCF-style: chr8-145113221-C-T.
Other names: c.870G>A (NM_017570.4).
Identifiers: ClinVar variation 2740220 (VCV002740220.5), dbSNP rs782821148, ClinGen allele CA4932116.

ClinVar aggregate classification (germline): Likely benign. Review status: criteria provided, single submitter (1 of 4 stars). 2 submissions from 2 submitters: Likely benign (1). 1 of the submissions does not count toward it. Last evaluated 2024-12-30.

Conditions:
OPLAH-related disorder. Also called: OPLAH-related condition.
5-Oxoprolinase deficiency (OPLAHD). Also called: 5-OXOPROLINURIA DUE TO 5-OXOPROLINASE DEFICIENCY. Identifiers: Orphanet 33572, MedGen C0268525, MONDO:0009825, OMIM 260005, HP:0040142.

Allele frequency attached by ClinVar (database versions not stated): gnomAD exomes 0.00003; TOPMed 0.00005; gnomAD 0.00007.
gnomAD v4.1: 61 of 1,603,154 alleles (0.0038%); highest among the groups gnomAD compares: African/African-American, 0.011%; no homozygotes.

Submissions (2):

Labcorp Genetics (formerly Invitae), Labcorp
Classification: Likely benign for 5-Oxoprolinase deficiency. Last evaluated: 2024-12-30. Review status: criteria provided, single submitter. Criteria: Invitae Variant Classification Sherloc (09022015). Collection method: clinical testing. Allele origin: germline.

PreventionGenetics, part of Exact Sciences
Classification: Likely benign for OPLAH-related condition. Last evaluated: 2021-02-15. Review status: no assertion criteria provided. Collection method: clinical testing. Allele origin: germline. Not counted in ClinVar's aggregate classification.
Comment: This variant is classified as likely benign based on ACMG/AMP sequence variant interpretation guidelines (Richards et al. 2015 PMID: 25741868, with internal and published modifications).